The following is an entry in ClinVar:

ClinVar aggregate classification (germline): Uncertain significance (1 of 4 stars; one submission).

gnomAD v4.1: 10 of 1,614,136 alleles (0.00062%); highest among the groups gnomAD compares: Non-Finnish European, 0.00085%; no homozygotes.

Submission:

Labcorp Genetics (formerly Invitae), Labcorp
Classification: Uncertain significance. Last evaluated: 2022-02-04. Review status: criteria provided, single submitter. Criteria: Invitae Variant Classification Sherloc (09022015). Collection method: clinical testing. Allele origin: germline.
Comment: This sequence change replaces arginine, which is basic and polar, with serine, which is neutral and polar, at codon 1197 of the PCARE protein (p.Arg1197Ser). This variant is present in population databases (no rsID available, gnomAD 0.002%). This variant has not been reported in the literature in individuals affected with PCARE-related conditions. ClinVar contains an entry for this variant (Variation ID: 860176). Algorithms developed to predict the effect of missense changes on protein structure and function are either unavailable or do not agree on the potential impact of this missense change (SIFT: "Deleterious"; PolyPhen-2: "Benign"; Align-GVGD: "Class C0"). In summary, the available evidence is currently insufficient to determine the role of this variant in disease. Therefore, it has been classified as a Variant of Uncertain Significance.

NM_001029883.3(PCARE):c.3589C>A (p.Arg1197Ser)

Gene: PCARE (photoreceptor cilium actin regulator; minus strand). Cytogenetic location: 2p23.2.
Variant type: single nucleotide variant.
Coding change: c.3589C>A on transcript NM_001029883.3 (MANE Select); coding-DNA position 3589, C replaced by A.
Protein change: p.Arg1197Ser; replaces arginine 1197 with serine.
Molecular consequence: missense variant.
Genome position (GRCh38, 1-based): chr2:29,070,673, G>T on the plus strand (C>A on the coding strand, the complement: PCARE is on the minus strand). VCF-style: chr2-29070673-G-T. GRCh37 (hg19) VCF-style: chr2-29293539-G-T.
Other names: short protein forms R1197S.
Identifiers: ClinVar variation 860176 (VCV000860176.7), dbSNP rs369031088, ClinGen allele CA346472846.